The following is an entry in ClinVar:

ClinVar aggregate classification (germline): Uncertain significance. Review status: criteria provided, multiple submitters, no conflicts (2 of 4 stars). 2 submissions from 2 submitters: Uncertain significance (2). Last evaluated 2026-06-01.

Allele frequency attached by ClinVar (database versions not stated): ExAC 0.00001; gnomAD exomes 0.00001; gnomAD 0.00003.
gnomAD v4.1: 18 of 1,613,906 alleles (0.0011%); highest among the groups gnomAD compares: Admixed American, 0.005%; no homozygotes.

Submissions (2):

CeGaT Center for Human Genetics Tuebingen
Classification: Uncertain significance. Last evaluated: 2026-06-01. Review status: criteria provided, single submitter. Criteria: CeGaT Center For Human Genetics Tuebingen Variant Classification Criteria Version 2. Collection method: clinical testing. Allele origin: germline. Affected: yes. Observed: 1 variant allele.
Comment: COL4A1: PM2

Labcorp Genetics (formerly Invitae), Labcorp
Classification: Uncertain significance. Last evaluated: 2023-07-16. Review status: criteria provided, single submitter. Criteria: Invitae Variant Classification Sherloc (09022015). Collection method: clinical testing. Allele origin: germline.
Comment: This sequence change replaces alanine, which is neutral and non-polar, with valine, which is neutral and non-polar, at codon 771 of the COL4A1 protein (p.Ala771Val). The frequency data for this variant in the population databases is considered unreliable, as metrics indicate poor data quality at this position in the gnomAD database. This variant has not been reported in the literature in individuals affected with COL4A1-related conditions. Algorithms developed to predict the effect of missense changes on protein structure and function output the following: SIFT: "Not Available"; PolyPhen-2: "Benign"; Align-GVGD: "Not Available". The valine amino acid residue is found in multiple mammalian species, which suggests that this missense change does not adversely affect protein function. In summary, the available evidence is currently insufficient to determine the role of this variant in disease. Therefore, it has been classified as a Variant of Uncertain Significance.

NM_001845.6(COL4A1):c.2312C>T (p.Ala771Val)

Gene: COL4A1 (collagen type IV alpha 1 chain; minus strand). Cytogenetic location: 13q34.
Variant type: single nucleotide variant.
Coding change: c.2312C>T on transcript NM_001845.6 (MANE Select); coding-DNA position 2312, C replaced by T.
Protein change: p.Ala771Val; replaces alanine 771 with valine.
Molecular consequence: missense variant.
Genome position (GRCh38, 1-based): chr13:110,179,303, G>A on the plus strand (C>T on the coding strand, the complement: COL4A1 is on the minus strand). VCF-style: chr13-110179303-G-A. GRCh37 (hg19) VCF-style: chr13-110831650-G-A.
Other names: short protein forms A771V.
Identifiers: ClinVar variation 2723091 (VCV002723091.5), dbSNP rs748767250, ClinGen allele CA7047644.